The following is an entry in ClinVar:

ClinVar aggregate classification (germline): Uncertain significance. Review status: criteria provided, multiple submitters, no conflicts (2 of 4 stars). 3 submissions from 3 submitters: Uncertain significance (3). Last evaluated 2026-09-17.

Conditions:
LAMB1-related disorder. Also called: LAMB1-related condition.

Allele frequency attached by ClinVar (database versions not stated): ExAC 0.00001; gnomAD exomes 0.00001; TOPMed 0.00002.

Submissions (3):

PreventionGenetics, part of Exact Sciences
Classification: Uncertain significance for LAMB1-related condition. Last evaluated: 2026-09-17. Review status: criteria provided, single submitter. Criteria: ACMG Guidelines, 2015. Collection method: clinical testing. Allele origin: germline.
Comment: The LAMB1 c.148C>A variant is predicted to result in the amino acid substitution p.Leu50Ile. To our knowledge, this variant has not been reported in the literature. This variant is reported in 0.0058% of alleles in individuals of Latino descent in gnomAD. At this time, the clinical significance of this variant is uncertain due to the absence of conclusive functional and genetic evidence.

Labcorp Genetics (formerly Invitae), Labcorp
Classification: Uncertain significance. Last evaluated: 2023-06-23. Review status: criteria provided, single submitter. Criteria: Invitae Variant Classification Sherloc (09022015). Collection method: clinical testing. Allele origin: germline.
Comment: This sequence change replaces leucine, which is neutral and non-polar, with isoleucine, which is neutral and non-polar, at codon 50 of the LAMB1 protein (p.Leu50Ile). This variant is present in population databases (rs752043017, gnomAD 0.006%). This variant has not been reported in the literature in individuals affected with LAMB1-related conditions. ClinVar contains an entry for this variant (Variation ID: 1373998). An algorithm developed to predict the effect of missense changes on protein structure and function (PolyPhen-2) suggests that this variant is likely to be disruptive. In summary, the available evidence is currently insufficient to determine the role of this variant in disease. Therefore, it has been classified as a Variant of Uncertain Significance.

Breakthrough Genomics
Classification: Uncertain significance. Review status: criteria provided, single submitter. Criteria: ACMG Guidelines, 2015. Collection method: not provided. Allele origin: germline. Inheritance: Autosomal recessive inheritance. Affected: yes.

NM_002291.3(LAMB1):c.148C>A (p.Leu50Ile)

Gene: LAMB1 (laminin subunit beta 1; minus strand). Cytogenetic location: 7q31.1.
Variant type: single nucleotide variant.
Coding change: c.148C>A on transcript NM_002291.3 (MANE Select); coding-DNA position 148, C replaced by A.
Protein change: p.Leu50Ile; replaces leucine 50 with isoleucine.
Molecular consequence: missense variant.
Genome position (GRCh38, 1-based): chr7:108,001,623, G>T on the plus strand (C>A on the coding strand, the complement: LAMB1 is on the minus strand). VCF-style: chr7-108001623-G-T. GRCh37 (hg19) VCF-style: chr7-107642068-G-T.
Other names: c.148C>A (NM_002291.2); short protein forms L50I.
Identifiers: ClinVar variation 1373998 (VCV001373998.10), dbSNP rs752043017, ClinGen allele CA4436391.
Genomic context (GRCh38, chr7:108,001,623, plus strand): 5'-AGTGGCTGACGATACAGTAGGGTTCGGGCTTGTGCAGCCCGCACGTCGAGGTCACCGAAA[G>T]CTTCTGTGCTCGGCCGATGAGAAGGTCGCCCGTGGCGGGATAGCAGCTGCCTTCTGCGCA-3'
Protein context (NP_002282.2, residues 40-60): GDLLIGRAQK[Leu50Ile]SVTSTCGLHK